The following is an entry in ClinVar:

ClinVar aggregate classification (germline): Conflicting classifications of pathogenicity. Review status: criteria provided, conflicting classifications (1 of 4 stars). 3 submissions from 3 submitters: Uncertain significance (1); Likely benign (2). Last evaluated 2025-11-03.

Conditions:
Autosomal recessive ataxia, Beauce type. Also called: Spinocerebellar ataxia, autosomal recessive 8; ATAXIA, RECESSIVE, OF BEAUCE; SYNE1-Related Autosomal Recessive Cerebellar Ataxia; SYNE1 Deficiency. Identifiers: Orphanet 88644, MedGen C1853116, MONDO:0012549, OMIM 610743.
Emery-Dreifuss muscular dystrophy 4, autosomal dominant (EDMD4). Also called: EMERY-DREIFUSS MUSCULAR DYSTROPHY 4 WITH VARIABLE FEATURES. Identifiers: Orphanet 261, MedGen C2751807, MONDO:0013071, OMIM 612998.

Allele frequency attached by ClinVar (database versions not stated): gnomAD below 0.00001 and 0.00002; TOPMed 0.00002; gnomAD exomes 0.00010 and 0.00023; ExAC 0.00029; 1000 Genomes Project 30x 0.00031.
gnomAD v4.1: 145 of 1,613,674 alleles (0.009%); highest among the groups gnomAD compares: South Asian, 0.15%; no homozygotes.

Submissions (3):

Labcorp Genetics (formerly Invitae), Labcorp
Classification: Likely benign for Emery-Dreifuss muscular dystrophy 4, autosomal dominant; Autosomal recessive ataxia, Beauce type. Last evaluated: 2025-11-03. Review status: criteria provided, single submitter. Criteria: Invitae Variant Classification Sherloc (09022015). Collection method: clinical testing. Allele origin: germline.

GeneDx
Classification: Likely benign. Last evaluated: 2016-10-14. Review status: criteria provided, single submitter. Criteria: GeneDx Variant Classification (06012015). Collection method: clinical testing. Allele origin: germline. Affected: yes.
Comment: This variant is considered likely benign or benign based on one or more of the following criteria: it is a conservative change, it occurs at a poorly conserved position in the protein, it is predicted to be benign by multiple in silico algorithms, and/or has population frequency not consistent with disease.

Eurofins Ntd Llc (ga)
Classification: Uncertain significance. Last evaluated: 2015-10-06. Review status: criteria provided, single submitter. Criteria: EGL Classification Definitions 2015. Collection method: clinical testing. Allele origin: germline. Observed: 1 variant allele, 1 heterozygote.

NM_182961.4(SYNE1):c.581+10A>G

Gene: SYNE1 (spectrin repeat containing nuclear envelope protein 1; minus strand). Cytogenetic location: 6q25.2.
Variant type: single nucleotide variant.
Coding change: c.581+10A>G on transcript NM_182961.4 (MANE Select); 10 bases into the intron after coding-DNA position 581, A replaced by G.
Molecular consequence: intron variant.
Genome position (GRCh38, 1-based): chr6:152,510,183, T>C on the plus strand (A>G on the coding strand, the complement: SYNE1 is on the minus strand). VCF-style: chr6-152510183-T-C. GRCh37 (hg19) VCF-style: chr6-152831318-T-C.
Other names: c.602+10A>G (NM_033071.5).
Identifiers: ClinVar variation 283410 (VCV000283410.10), dbSNP rs771573516, ClinGen allele CA4059691.
Genomic context (GRCh38, chr6:152,510,183, plus strand): 5'-GAAGTTGCAATTAGTAACATTCATAACTCAATTTAACGGTTTCAAATTTAGACAAACTCT[T>C]GATACTTACTTGCCAGCTGTGTACTGAACCCACTTTAATAAAGCCTTCTTAGCATTTCCT-3'